The following is an entry in ClinVar:

NC_000004.11:g.(?_55575570)_(55598184_?)dup

Gene: KIT (KIT proto-oncogene, receptor tyrosine kinase; plus strand). Cytogenetic location: 4q12.
Variant type: Duplication.
Identifiers: ClinVar variation 2422605 (VCV002422605.2).

ClinVar aggregate classification (germline): Likely pathogenic (1 of 4 stars; one submission).

Conditions:
Gastrointestinal stromal tumor. Also called: Gastrointestinal stroma tumor; Gastrointestinal stromal tumor, somatic. Identifiers: Orphanet 44890, MedGen C0238198, MeSH D046152, MONDO:0011719, OMIM 606764, HP:0100723.

Submission:

Labcorp Genetics (formerly Invitae), Labcorp
Classification: Likely pathogenic for Gastrointestinal stromal tumor. Last evaluated: 2022-06-06. Review status: criteria provided, single submitter. Criteria: Invitae Variant Classification Sherloc (09022015). Collection method: clinical testing. Allele origin: germline.
Comment: This variant results in a copy number gain of the genomic region encompassing exon(s) 7-16 of the KIT gene. While the exact position of this variant cannot be determined from the data, sub-genic copy number gains are generally in tandem (PMID: 25640679). This variant is predicted to be out-of-frame, and may result in an absent or disrupted protein product. Loss-of-function variants in KIT are known to be pathogenic (PMID: 15194144). This variant has not been reported in the literature in individuals affected with KIT-related conditions. In summary, the currently available evidence indicates that the variant is pathogenic, but additional data are needed to prove that conclusively. Therefore, this variant has been classified as Likely Pathogenic.

Literature cited by the submitters: PubMed 25640679; PubMed 15194144.